The following is an entry in ClinVar:

ClinVar aggregate classification (germline): Pathogenic/Likely pathogenic. Review status: criteria provided, multiple submitters, no conflicts (2 of 4 stars). 6 submissions from 6 submitters: Pathogenic (1); Likely pathogenic (5). Last evaluated 2025-11-20.

Conditions:
Von Hippel-Lindau syndrome (VHLS). Also called: von Hippel–Lindau syndrome; Von Hippel-Lindau; VHL syndrome. Identifiers: Orphanet 892, MedGen C0019562, MONDO:0008667, OMIM 193300. Disease mechanism: loss of function.
Chuvash polycythemia. Also called: POLYCYTHEMIA, VHL-DEPENDENT. Identifiers: Orphanet 238557, MedGen C1837915, MONDO:0009892, OMIM 263400.
Hereditary cancer-predisposing syndrome. Also called: Tumor predisposition; Neoplastic Syndromes, Hereditary; Hereditary Cancer Syndrome; Hereditary neoplastic syndrome. Identifiers: Orphanet 140162, MedGen C0027672, MeSH D009386, MONDO:0015356.

Allele frequency attached by ClinVar (database versions not stated): gnomAD exomes below 0.00001 and 0.00001.
gnomAD v4.1: 2 of 1,614,148 alleles (0.00012%); highest among the groups gnomAD compares: Admixed American, 0.0033%; no homozygotes.

Submissions (6):

Ambry Genetics
Classification: Likely pathogenic for Hereditary cancer-predisposing syndrome. Last evaluated: 2025-11-20. Review status: criteria provided, single submitter. Criteria: Ambry Variant Classification Scheme 2023. Collection method: clinical testing. Allele origin: germline.
Comment: The p.Q164H variant (also known as c.492G>C), located in coding exon 3 of the VHL gene, results from a G to C substitution at nucleotide position 492. The glutamine at codon 164 is replaced by histidine, an amino acid with highly similar properties. p.Q164H has been identified in multiple individuals with VHL related tumors (Bauters C et al. J. Med. Genet. 2003 Jun;40:e75; Meyer-Rochow GY et al. J. Surg. Res. 2009 Nov;157:55-62; Buffet A et al. Horm. Metab. Res. 2012 May;44:359-66; McInerney-Leo AM et al. Clin. Endocrinol. (Oxf) 2014 Jan;80:25-33; Kreusel KM et al. Can J Ophthalmol, 2007 Apr;42:251-5; Ambry internal data; external communication). However, p.Q164H has also been identified in numerous individuals that do not have a diagnosis of VHL, or any VHL associated tumors (Ambry internal data, external communication) suggesting this variant may be associated with reduced penetrance. Internal structural analysis indicates this alteration disrupts the fold of the elongin binding domain of VHL (Ambry internal data; Van Molle I et al. Chem. Biol. 2012 Oct;19:1300-12). This variant was determined to be functionally intermediate in one saturation genome editing assay (Buckley M et al. Nat Genet, 2024 Jul;56:1446-1455). This amino acid position is highly conserved in available vertebrate species. In addition, this alteration is predicted to be deleterious by in silico analysis. Based on the majority of available evidence to date, p.Q164H is likely to be a low penetrance pathogenic variant and may not be associated with classic von Hippel Lindau disease. Clinical correlation is advised.

Mayo Clinic Laboratories, Mayo Clinic
Classification: Likely pathogenic. Last evaluated: 2025-11-10. Review status: criteria provided, single submitter. Criteria: ACMG Guidelines, 2015. Collection method: clinical testing. Allele origin: germline. Observed: 1 variant allele.
Comment: PP3, PP5, PM1, PS4_moderate

Myriad Genetics, Inc.
Classification: Likely pathogenic for Von Hippel-Lindau syndrome. Last evaluated: 2025-09-23. Review status: criteria provided, single submitter. Criteria: Myriad Autosomal Dominant, Autosomal Recessive and X-Linked Classification Criteria (2023). Collection method: clinical testing. Allele origin: unknown.
Comment: This variant is considered likely pathogenic. This variant has been reported in multiple individuals with clinical features of gene-specific disease [PMID: 12807974, 17392848, 24102379, 29891534; external communications 2025]. This variant is expected to disrupt protein structure [Myriad internal data].

Labcorp Genetics (formerly Invitae), Labcorp
Classification: Pathogenic for Von Hippel-Lindau syndrome; Chuvash polycythemia. Last evaluated: 2024-06-21. Review status: criteria provided, single submitter. Criteria: Invitae Variant Classification Sherloc (09022015). Collection method: clinical testing. Allele origin: germline.
Comment: This sequence change replaces glutamine, which is neutral and polar, with histidine, which is basic and polar, at codon 164 of the VHL protein (p.Gln164His). This variant is present in population databases (no rsID available, gnomAD 0.006%). This missense change has been observed in individual(s) with clinical features of von Hippel-Lindau syndrome (PMID: 12807974, 17392848, 19215943, 22517557, 24102379, 29891534; Invitae). ClinVar contains an entry for this variant (Variation ID: 618485). Advanced modeling of protein sequence and biophysical properties (such as structural, functional, and spatial information, amino acid conservation, physicochemical variation, residue mobility, and thermodynamic stability) performed at Invitae indicates that this missense variant is expected to disrupt VHL protein function with a positive predictive value of 95%. This variant disrupts the p.Gln164 amino acid residue in VHL. Other variant(s) that disrupt this residue have been determined to be pathogenic (PMID: 17392848, 22517557, 24102379, 29891534; Invitae). This suggests that this residue is clinically significant, and that variants that disrupt this residue are likely to be disease-causing. For these reasons, this variant has been classified as Pathogenic.

GeneDx
Classification: Likely pathogenic. Last evaluated: 2023-05-23. Review status: criteria provided, single submitter. Criteria: GeneDx Variant Classification Process June 2021. Collection method: clinical testing. Allele origin: germline. Affected: yes.
Comment: Not observed at significant frequency in large population cohorts (gnomAD); In silico analysis supports that this missense variant has a deleterious effect on protein structure/function; Observed in individuals with VHL-related cancers (Bauters et al., 2003; Meyer-Rochow et al., 2009; McInerney-Leo et al., 2014); This variant is associated with the following publications: (PMID: 24102379, 22517557, 19215943, 29891534, 17392848, 12807974)

ARUP Laboratories, Molecular Genetics and Genomics, ARUP Laboratories
Classification: Likely pathogenic. Last evaluated: 2018-05-16. Review status: criteria provided, single submitter. Criteria: ARUP Molecular Germline Variant Investigation Process. Collection method: clinical testing. Allele origin: germline.
Comment: The VHL c.492G>C; p.Gln164His variant has been described in several individuals affected with pheochromocytoma and/or paraganglioma (Bauters 2003, Buffet 2012, McInerney-Leo 2014) and is observed on only 2 alleles in the Genome Aggregation Database. The glutamine at codon 164 is highly conserved but computational algorithms (PolyPhen-2: damaging, SIFT: tolerated) are inconclusive on the effect of this variant on protein structure and/or function. However, this variant occurs in a region that is critical for binding to elongin B and elongin C (Kishida 1995, Ohh 1999). Additionally, another variant at this codon (c.491A>G; p.Gln164Arg) has been reported in individuals affected with pheochromocytoma and/or paraganglioma and is considered pathogenic (Buffet 2012, Sovinz 2010). Based on available information, this variant is considered likely pathogenic. References: Bauters C et al. Hereditary phaeochromocytomas and paragangliomas: a study of five susceptibility genes. J Med Genet. 2003 Jun;40(6):e75. Buffet A et al. A decade (2001-2010) of genetic testing for pheochromocytoma and paraganglioma. Horm Metab Res. 2012 May;44(5):359-66. Kishida T et al. Cellular proteins that bind the von Hippel-Lindau disease gene product: mapping of binding domains and the effect of missense mutations. Cancer Res. 1995 Oct 15;55(20):4544-8. McInerney-Leo A et al. Whole exome sequencing is an efficient and sensitive method for detection of germline mutations in patients with phaeochromcytomas and paragangliomas. Clin Endocrinol (Oxf). 2014 Jan;80(1):25-33. Ohh M et al. Synthetic peptides define critical contacts between elongin C, elongin B, and the von Hippel-Lindau protein. J Clin Invest. 1999 Dec;104(11):1583-91. Sovinz P et al. Pheochromocytoma in a 2.75-year-old-girl with a germline von Hippel-Lindau mutation Q164R. Am J Med Genet A. 2010 Jul;152A(7):1752-5.

Literature cited by the submitters: PubMed 12807974 (cited by 4 submitters); PubMed 17392848 (cited by 3 submitters); PubMed 19215943 (cited by 3 submitters); PubMed 22517557 (cited by Ambry Genetics and Labcorp Genetics (formerly Invitae), Labcorp); PubMed 23102223 (cited by Ambry Genetics); PubMed 24102379 (cited by 4 submitters); PubMed 38969834 (cited by Ambry Genetics); PubMed 38815921 (cited by Mayo Clinic Laboratories, Mayo Clinic); PubMed 39536727 (cited by Mayo Clinic Laboratories, Mayo Clinic); PubMed 29891534 (cited by Myriad Genetics, Inc. and Labcorp Genetics (formerly Invitae), Labcorp).

NM_000551.4(VHL):c.492G>C (p.Gln164His)

Genes: VHL (von Hippel-Lindau tumor suppressor; plus strand), LOC107303340 (3p25 von Hippel-Lindau tumor suppressor, E3 ubiquitin protein ligase Alu-mediated recombination region; plus strand). Cytogenetic location: 3p25.3.
Variant type: single nucleotide variant.
Coding change: c.492G>C on transcript NM_000551.4 (MANE Select); coding-DNA position 492, G replaced by C.
Protein change: p.Gln164His; replaces glutamine 164 with histidine.
Molecular consequence: missense variant. On other transcripts: 3 prime UTR variant (1).
Genome position (GRCh38, 1-based): chr3:10,149,815, G>C. VCF-style: chr3-10149815-G-C. GRCh37 (hg19) VCF-style: chr3-10191499-G-C.
Other names: c.*46G>C (NM_001354723.2); c.369G>C, p.Gln123His (NM_198156.3); short protein forms Q164H, Q123H.
Identifiers: ClinVar variation 618485 (VCV000618485.20), dbSNP rs1352275281, ClinGen allele CA351756154.